The following is an entry in ClinVar:

ClinVar aggregate classification (germline): Uncertain significance. Review status: criteria provided, multiple submitters, no conflicts (2 of 4 stars). 2 submissions from 2 submitters: Uncertain significance (2). Last evaluated 2022-08-08.

Conditions:
Inborn genetic diseases. Identifiers: MedGen C0950123, MeSH D030342.

Allele frequency attached by ClinVar (database versions not stated): TOPMed below 0.00001; gnomAD 0.00001; ESP Exome Variant Server 0.00008.

Submissions (2):

GeneDx
Classification: Uncertain significance. Last evaluated: 2022-08-08. Review status: criteria provided, single submitter. Criteria: GeneDx Variant Classification Process June 2021. Collection method: clinical testing. Allele origin: germline. Affected: yes.
Comment: In silico analysis supports that this missense variant has a deleterious effect on protein structure/function; Has not been previously published as pathogenic or benign to our knowledge; Variants in candidate genes are classified as variants of uncertain significance in accordance with ACMG guidelines (Richards et al., 2015)

Ambry Genetics
Classification: Uncertain significance for Inborn genetic diseases. Last evaluated: 2022-01-27. Review status: criteria provided, single submitter. Criteria: Ambry Variant Classification Scheme 2023. Collection method: clinical testing. Allele origin: germline.

NM_004279.3(PMPCB):c.479T>C (p.Ile160Thr)

Gene: PMPCB (peptidase, mitochondrial processing subunit beta; plus strand). Cytogenetic location: 7q22.1.
Variant type: single nucleotide variant.
Coding change: c.479T>C on transcript NM_004279.3 (MANE Select); coding-DNA position 479, T replaced by C.
Protein change: p.Ile160Thr; replaces isoleucine 160 with threonine.
Molecular consequence: missense variant.
Genome position (GRCh38, 1-based): chr7:103,303,863, T>C. VCF-style: chr7-103303863-T-C. GRCh37 (hg19) VCF-style: chr7-102944310-T-C.
Other names: short protein forms I160T.
Identifiers: ClinVar variation 2274145 (VCV002274145.3), dbSNP rs148787640, ClinGen allele CA163871657.